The following is an entry in ClinVar:

ClinVar aggregate classification (germline): Likely pathogenic (1 of 4 stars; one submission).

Conditions:
Phenylketonuria (PKU). Also called: FOLLING DISEASE; OLIGOPHRENIA PHENYLPYRUVICA; Phenylketonurias; Phenylketonuria (PKU). Identifiers: Orphanet 716, MedGen C0031485, MONDO:0009861, OMIM 261600. Disease mechanism: loss of function.

Submission:

Natera, Inc.
Classification: Likely pathogenic for Phenylketonuria. Last evaluated: 2025-01-21. Review status: criteria provided, single submitter. Criteria: Natera Variant Classification Schema (03/2026). Collection method: clinical testing. Allele origin: germline.
Comment: The c.1093del variant in PAH is a frameshift variant predicted to shift the reading frame beginning at codon 365 and leads to a stop codon 35 codons downstream. This variant is expected to result in nonsense mediated decay, truncation, or a dysfunctional protein product. This variant is rare in the general population with a frequency below the threshold expected for the associated phenotype(s). Given the available evidence, this variant is classified as Likely Pathogenic.

NM_000277.3(PAH):c.1093del (p.Leu365fs)

Gene: PAH (phenylalanine hydroxylase; minus strand). Cytogenetic location: 12q23.2.
Variant type: Deletion.
Coding change: c.1093del on transcript NM_000277.3 (MANE Select); coding-DNA position 1093, one base deleted (C; older notation c.1093delC).
Protein change: p.Leu365fs; shifts the reading frame from leucine 365.
Molecular consequence: frameshift variant.
Genome position (GRCh38, 1-based): chr12:102,843,752, G deleted on the plus strand (C on the coding strand, the reverse complement: PAH is on the minus strand). VCF-style (leftmost placement, unchanged base first): chr12-102843751-AG-A. GRCh37 (hg19) VCF-style: chr12-103237529-AG-A.
Other names: c.1093del, p.Leu365fs (NM_001354304.2); short protein forms L365fs.
Identifiers: ClinVar variation 4059237 (VCV004059237.2).